The following is an entry in ClinVar:

NM_001142864.4(PIEZO1):c.2176C>T (p.His726Tyr)

Genes: HSALR1 (HSP90AB1 associated lncRNA 1; plus strand), PIEZO1 (piezo type mechanosensitive ion channel component 1 (Er blood group); minus strand). Cytogenetic location: 16q24.3.
Variant type: single nucleotide variant.
Coding change: c.2176C>T on transcript NM_001142864.4 (MANE Select); coding-DNA position 2176, C replaced by T.
Protein change: p.His726Tyr; replaces histidine 726 with tyrosine.
Molecular consequence: missense variant.
Genome position (GRCh38, 1-based): chr16:88,734,360, G>A on the plus strand (C>T on the coding strand, the complement: PIEZO1 is on the minus strand). VCF-style: chr16-88734360-G-A. GRCh37 (hg19) VCF-style: chr16-88800768-G-A.
Other names: c.2176C>T (NM_001142864.3); short protein forms H726Y.
Identifiers: ClinVar variation 1162802 (VCV001162802.8), dbSNP rs1463660758, ClinGen allele CA397113348.

ClinVar aggregate classification (germline): Uncertain significance. Review status: criteria provided, single submitter (1 of 4 stars). 2 submissions from 2 submitters: Uncertain significance (1). 1 of the submissions does not count toward it. Last evaluated 2025-02-18.

Conditions:
PIEZO1-related disorder. Also called: PIEZO1-related condition; PIEZO1-Related Disorders.

Allele frequency attached by ClinVar (database versions not stated): gnomAD 0.00003; gnomAD exomes 0.00001.
gnomAD v4.1: 14 of 1,529,694 alleles (0.00092%); highest among the groups gnomAD compares: African/African-American, 0.018%; no homozygotes.

Submissions (2):

Mayo Clinic Laboratories, Mayo Clinic
Classification: Uncertain significance. Last evaluated: 2025-02-18. Review status: criteria provided, single submitter. Criteria: ACMG Guidelines, 2015. Collection method: clinical testing. Allele origin: germline. Observed: 3 variant alleles.
Comment: BP4_moderate, PM2_supporting

PreventionGenetics, part of Exact Sciences
Classification: Uncertain significance for PIEZO1-related condition. Last evaluated: 2024-01-04. Review status: no assertion criteria provided. Collection method: clinical testing. Allele origin: germline. Not counted in ClinVar's aggregate classification.
Comment: The PIEZO1 c.2176C>T variant is predicted to result in the amino acid substitution p.His726Tyr. To our knowledge, this variant has not been reported in the literature. This variant is reported in 0.026% of alleles in individuals of African descent in gnomAD. At this time, the clinical significance of this variant is uncertain due to the absence of conclusive functional and genetic evidence.